The following is an entry in ClinVar:

ClinVar aggregate classification (germline): Uncertain significance. Review status: criteria provided, multiple submitters, no conflicts (2 of 4 stars). 2 submissions from 2 submitters: Uncertain significance (2). Last evaluated 2022-12-01.

Conditions:
Emery-Dreifuss muscular dystrophy 5, autosomal dominant (EDMD5). Also called: EMERY-DREIFUSS MUSCULAR DYSTROPHY 5. Identifiers: Orphanet 261, MedGen C2751805, MONDO:0013072, OMIM 612999.

Allele frequency attached by ClinVar (database versions not stated): ExAC 0.00002; gnomAD 0.00002; gnomAD exomes 0.00002; TOPMed 0.00002; ESP Exome Variant Server 0.00008.
gnomAD v4.1: 30 of 1,613,746 alleles (0.0019%); highest among the groups gnomAD compares: Admixed American, 0.0033%; no homozygotes.

Submissions (2):

CeGaT Center for Human Genetics Tuebingen
Classification: Uncertain significance. Last evaluated: 2022-12-01. Review status: criteria provided, single submitter. Criteria: CeGaT Center For Human Genetics Tuebingen Variant Classification Criteria Version 2. Collection method: clinical testing. Allele origin: germline. Affected: yes. Observed: 1 variant allele.
Comment: SYNE2: PM2, BP4

Labcorp Genetics (formerly Invitae), Labcorp
Classification: Uncertain significance for Emery-Dreifuss muscular dystrophy 5, autosomal dominant. Last evaluated: 2022-06-27. Review status: criteria provided, single submitter. Criteria: Invitae Variant Classification Sherloc (09022015). Collection method: clinical testing. Allele origin: germline.
Comment: In summary, the available evidence is currently insufficient to determine the role of this variant in disease. Therefore, it has been classified as a Variant of Uncertain Significance. Algorithms developed to predict the effect of missense changes on protein structure and function are either unavailable or do not agree on the potential impact of this missense change (SIFT: "Deleterious"; PolyPhen-2: "Probably Damaging"; Align-GVGD: "Class C0"). ClinVar contains an entry for this variant (Variation ID: 852851). This variant has not been reported in the literature in individuals affected with SYNE2-related conditions. This variant is present in population databases (rs376041943, gnomAD 0.006%). This sequence change replaces leucine, which is neutral and non-polar, with serine, which is neutral and polar, at codon 915 of the SYNE2 protein (p.Leu915Ser).

NM_182914.3(SYNE2):c.2744T>C (p.Leu915Ser)

Gene: SYNE2 (spectrin repeat containing nuclear envelope protein 2; plus strand). Cytogenetic location: 14q23.2.
Variant type: single nucleotide variant.
Coding change: c.2744T>C on transcript NM_182914.3 (MANE Select); coding-DNA position 2744, T replaced by C.
Protein change: p.Leu915Ser; replaces leucine 915 with serine.
Molecular consequence: missense variant.
Genome position (GRCh38, 1-based): chr14:63,993,932, T>C. VCF-style: chr14-63993932-T-C. GRCh37 (hg19) VCF-style: chr14-64460650-T-C.
Other names: c.2744T>C, p.Leu915Ser (NM_015180.6); short protein forms L915S.
Identifiers: ClinVar variation 852851 (VCV000852851.31), dbSNP rs376041943, ClinGen allele CA7219777.
Genomic context (GRCh38, chr14:63,993,932, plus strand): 5'-AGTATTTGAAAGCTGTTGAAGAACTAAAAAATAATGTAACTGAGGACATAAAGATGTCTT[T>C]AGAAGAAAAGAGTAGAGATGTCTGTGCCAAATGGGAGGTAAGAACATGCATATGTTTCTG-3'
Protein context (NP_878918.2, residues 905-925): NNVTEDIKMS[Leu915Ser]EEKSRDVCAK